The following is an entry in ClinVar:

ClinVar aggregate classification (germline): Uncertain significance (1 of 4 stars; one submission).

gnomAD v4.1: 26 of 1,613,906 alleles (0.0016%); highest among the groups gnomAD compares: Non-Finnish European, 0.002%; no homozygotes.

Submission:

Labcorp Genetics (formerly Invitae), Labcorp
Classification: Uncertain significance. Last evaluated: 2025-09-19. Review status: criteria provided, single submitter. Criteria: Invitae Variant Classification Sherloc (09022015). Collection method: clinical testing. Allele origin: germline.
Comment: This sequence change replaces glycine, which is neutral and non-polar, with serine, which is neutral and polar, at codon 2011 of the FLNB protein (p.Gly2011Ser). This variant is present in population databases (rs781212517, gnomAD 0.002%). This variant has not been reported in the literature in individuals affected with FLNB-related conditions. Invitae Evidence Modeling of protein sequence and biophysical properties (such as structural, functional, and spatial information, amino acid conservation, physicochemical variation, residue mobility, and thermodynamic stability) indicates that this missense variant is expected to disrupt FLNB protein function with a positive predictive value of 80%. In summary, the available evidence is currently insufficient to determine the role of this variant in disease. Therefore, it has been classified as a Variant of Uncertain Significance.

NM_001457.4(FLNB):c.6031G>A (p.Gly2011Ser)

Gene: FLNB (filamin B; plus strand). Cytogenetic location: 3p14.3.
Variant type: single nucleotide variant.
Coding change: c.6031G>A on transcript NM_001457.4 (MANE Select); coding-DNA position 6031, G replaced by A.
Protein change: p.Gly2011Ser; replaces glycine 2011 with serine.
Molecular consequence: missense variant.
Genome position (GRCh38, 1-based): chr3:58,148,792, G>A. VCF-style: chr3-58148792-G-A. GRCh37 (hg19) VCF-style: chr3-58134519-G-A.
Other names: c.6124G>A, p.Gly2042Ser (NM_001164317.2); c.5998G>A, p.Gly2000Ser (NM_001164318.2); c.5959G>A, p.Gly1987Ser (NM_001164319.2); short protein forms G2042S, G2000S, G2011S, G1987S.
Identifiers: ClinVar variation 4749984 (VCV004749984.1).